The following is an entry in ClinVar:

ClinVar aggregate classification (germline): Likely benign (1 of 4 stars; one submission).

gnomAD v4.1: 953 of 1,613,612 alleles (0.059%); highest among the groups gnomAD compares: Admixed American, 0.13%; 2 homozygotes.

Submission:

Mayo Clinic Laboratories, Mayo Clinic
Classification: Likely benign. Last evaluated: 2025-11-28. Review status: criteria provided, single submitter. Criteria: ACMG Guidelines, 2015. Collection method: clinical testing. Allele origin: germline. Observed: 1 variant allele.
Comment: BS1, BP4

NM_016532.4(INPP5K):c.99T>G (p.Ser33Arg)

Gene: INPP5K (inositol polyphosphate-5-phosphatase K; minus strand). Cytogenetic location: 17p13.3.
Variant type: single nucleotide variant.
Coding change: c.99T>G on transcript NM_016532.4 (MANE Select); coding-DNA position 99, T replaced by G.
Protein change: p.Ser33Arg; replaces serine 33 with arginine.
Molecular consequence: missense variant. On other transcripts: 5 prime UTR variant (2).
Genome position (GRCh38, 1-based): chr17:1,513,925, A>C on the plus strand (T>G on the coding strand, the complement: INPP5K is on the minus strand). VCF-style: chr17-1513925-A-C. GRCh37 (hg19) VCF-style: chr17-1417219-A-C.
Other names: p.Ser33Arg; c.-130T>G (NM_001135642.2, NM_130766.3); short protein forms S33R.
Identifiers: ClinVar variation 4684167 (VCV004684167.1).